The following is an entry in ClinVar:

ClinVar aggregate classification (germline): Uncertain significance (1 of 4 stars; one submission).

Conditions:
Lissencephaly 9 with complex brainstem malformation. Identifiers: Orphanet 572013, MedGen C5193029, MONDO:0032677, OMIM 618325.

gnomAD v4.1: 2 of 1,614,032 alleles (0.00012%); highest among the groups gnomAD compares: East Asian, 0.0045%; no homozygotes.

Submission:

Juno Genomics, Hangzhou Juno Genomics, Inc
Classification: Uncertain significance for Lissencephaly 9 with complex brainstem malformation. Review status: criteria provided, single submitter. Criteria: ACMG Guidelines, 2015. Collection method: clinical testing. Allele origin: germline.
Comment: Absent from controls (or at extremely low frequency if recessive) in Genome Aggregation Database.;Multiple lines of computational evidence support a deleterious effect on the gene or gene product.;Missense variant in a gene that has a low rate of benign missense variation.

NM_001394062.1(MACF1):c.5432G>T (p.Gly1811Val)

Gene: MACF1 (microtubule actin crosslinking factor 1; plus strand). Cytogenetic location: 1p34.3.
Variant type: single nucleotide variant.
Coding change: c.5432G>T on transcript NM_001394062.1 (MANE Select); coding-DNA position 5432, G replaced by T.
Protein change: p.Gly1811Val; replaces glycine 1811 with valine.
Molecular consequence: missense variant. On other transcripts: intron variant (1).
Genome position (GRCh38, 1-based): chr1:39,332,020, G>T. VCF-style: chr1-39332020-G-T. GRCh37 (hg19) VCF-style: chr1-39797692-G-T.
Other names: c.4629+4667G>T (NM_012090.5); short protein forms G1811V.
Identifiers: ClinVar variation 5019326 (VCV005019326.2).